The following is an entry in ClinVar:

NM_000059.4(BRCA2):c.4545G>C (p.Lys1515Asn)

Gene: BRCA2 (BRCA2 DNA repair associated; plus strand). Cytogenetic location: 13q13.1.
Variant type: single nucleotide variant.
Coding change: c.4545G>C on transcript NM_000059.4 (MANE Select); coding-DNA position 4545, G replaced by C.
Protein change: p.Lys1515Asn; replaces lysine 1515 with asparagine.
Molecular consequence: missense variant.
Genome position (GRCh38, 1-based): chr13:32,338,900, G>C. VCF-style: chr13-32338900-G-C. GRCh37 (hg19) VCF-style: chr13-32913037-G-C.
Other names: short protein forms K1515N.
Identifiers: ClinVar variation 824990 (VCV000824990.6), dbSNP rs1555283835, ClinGen allele CA387781763.

ClinVar aggregate classification (germline): Conflicting classifications of pathogenicity. Review status: criteria provided, conflicting classifications (1 of 4 stars). 2 submissions from 2 submitters: Uncertain significance (1); Likely benign (1). Last evaluated 2023-03-23.

Conditions:
Hereditary cancer-predisposing syndrome. Also called: Neoplastic Syndromes, Hereditary; Tumor predisposition; Hereditary neoplastic syndrome; Hereditary Cancer Syndrome. Identifiers: Orphanet 140162, MedGen C0027672, MeSH D009386, MONDO:0015356.

Submissions (2):

University of Washington Department of Laboratory Medicine, University of Washington
Classification: Likely benign for Hereditary cancer-predisposing syndrome. Last evaluated: 2023-03-23. Review status: criteria provided, single submitter. Criteria: Dines et al. (Genet Med. 2020). Collection method: curation. Allele origin: germline.
Comment: Missense variant in a coldspot region where missense variants are very unlikely to be pathogenic (PMID:31911673).

BRCA2 exon 11 coldspot. Reclassification based on statistical prior probability.

Ambry Genetics
Classification: Uncertain significance for Hereditary cancer-predisposing syndrome. Last evaluated: 2018-09-16. Review status: criteria provided, single submitter. Criteria: Ambry Variant Classification Scheme 2023. Collection method: clinical testing. Allele origin: germline.
Comment: The p.K1515N variant (also known as c.4545G>C), located in coding exon 10 of the BRCA2 gene, results from a G to C substitution at nucleotide position 4545. The lysine at codon 1515 is replaced by asparagine, an amino acid with similar properties. This amino acid position is not well conserved in available vertebrate species. In addition, this alteration is predicted to be tolerated by in silico analysis. Since supporting evidence is limited at this time, the clinical significance of this alteration remains unclear.